The following is an entry in ClinVar:

NM_001852.4(COL9A2):c.2063G>A (p.Gly688Glu)

Gene: COL9A2 (collagen type IX alpha 2 chain; minus strand). Cytogenetic location: 1p34.2.
Variant type: single nucleotide variant.
Coding change: c.2063G>A on transcript NM_001852.4 (MANE Select); coding-DNA position 2063, G replaced by A.
Protein change: p.Gly688Glu; replaces glycine 688 with glutamic acid.
Molecular consequence: missense variant.
Genome position (GRCh38, 1-based): chr1:40,301,189, C>T on the plus strand (G>A on the coding strand, the complement: COL9A2 is on the minus strand). VCF-style: chr1-40301189-C-T. GRCh37 (hg19) VCF-style: chr1-40766861-C-T.
Other names: short protein forms G688E.
Identifiers: ClinVar variation 2814644 (VCV002814644.3), dbSNP rs2522464133, ClinGen allele CA339873717.

ClinVar aggregate classification (germline): Uncertain significance (1 of 4 stars; one submission).

Submission:

Labcorp Genetics (formerly Invitae), Labcorp
Classification: Uncertain significance. Last evaluated: 2025-06-02. Review status: criteria provided, single submitter. Criteria: Invitae Variant Classification Sherloc (09022015). Collection method: clinical testing. Allele origin: germline.
Comment: This sequence change replaces glycine, which is neutral and non-polar, with glutamic acid, which is acidic and polar, at codon 688 of the COL9A2 protein (p.Gly688Glu). This variant is not present in population databases (gnomAD no frequency). This variant has not been reported in the literature in individuals affected with COL9A2-related conditions. ClinVar contains an entry for this variant (Variation ID: 2814644). An algorithm developed to predict the effect of missense changes on protein structure and function (PolyPhen-2) suggests that this variant is likely to be disruptive. In summary, the available evidence is currently insufficient to determine the role of this variant in disease. Therefore, it has been classified as a Variant of Uncertain Significance.